The following is an entry in ClinVar:

ClinVar aggregate classification (germline): Likely benign. Review status: criteria provided, multiple submitters, no conflicts (2 of 4 stars). 3 submissions from 3 submitters: Likely benign (3). Last evaluated 2026-06-01.

Allele frequency attached by ClinVar (database versions not stated): 1000 Genomes Project 0.00080; 1000 Genomes Project 30x 0.00109; ESP Exome Variant Server 0.00195; TOPMed 0.00277; gnomAD 0.00332 and 0.00338; gnomAD exomes 0.00367; ExAC 0.00781.
gnomAD v4.1: 5,392 of 1,544,122 alleles (0.35%); highest among the groups gnomAD compares: Non-Finnish European, 0.36%; 14 homozygotes.

Submissions (5):

CeGaT Center for Human Genetics Tuebingen
Classification: Likely benign. Last evaluated: 2026-06-01. Review status: criteria provided, single submitter. Criteria: CeGaT Center For Human Genetics Tuebingen Variant Classification Criteria Version 2. Collection method: clinical testing. Allele origin: germline. Affected: yes. Observed: 15 variant alleles.
Comment: BICRA: BP4, BP7, BS1

Blueprint Genetics
Classification: Likely benign. Last evaluated: 2024-11-28. Review status: criteria provided, single submitter. Criteria: ACMG Guidelines, 2015. Collection method: clinical testing. Allele origin: germline.

Breakthrough Genomics
Classification: Likely benign. Review status: criteria provided, single submitter. Criteria: ACMG Guidelines, 2015. Collection method: not provided. Allele origin: germline. Inheritance: Autosomal dominant inheritance. Affected: yes.

Dr. Peter K. Rogan Lab, Western University
No classification provided (evidence only). Condition: Cervical cancer. Review status: no classification provided. Collection method: in vitro. Allele origin: not applicable. Functional consequence: retained intron. Not counted in ClinVar's aggregate classification.

Dr. Peter K. Rogan Lab, Western University
No classification provided (evidence only). Condition: Ovarian serous cystadenocarcinoma. Review status: no classification provided. Collection method: in vitro. Allele origin: not applicable. Functional consequence: retained intron. Not counted in ClinVar's aggregate classification.

NM_001394372.1(BICRA):c.1146C>T (p.Gly382=)

Gene: BICRA (BRD4 interacting chromatin remodeling complex associated protein; plus strand). Cytogenetic location: 19q13.33.
Variant type: single nucleotide variant.
Coding change: c.1146C>T on transcript NM_001394372.1 (MANE Select); coding-DNA position 1146, C replaced by T.
Protein change: p.Gly382=; no amino-acid change (glycine 382 retained).
Molecular consequence: synonymous variant.
Genome position (GRCh38, 1-based): chr19:47,680,316, C>T. VCF-style: chr19-47680316-C-T. GRCh37 (hg19) VCF-style: chr19-48183573-C-T.
Other names: NC_000019.9:g.48183573C>T; c.1146C>T, p.Gly382= (NM_015711.3).
Identifiers: ClinVar variation 1335355 (VCV001335355.38), dbSNP rs367911716, ClinGen allele CA9541665.